The following is an entry in ClinVar:

NM_001079802.2(FKTN):c.1099del (p.Val367fs)

Gene: FKTN (fukutin; plus strand). Cytogenetic location: 9q31.2.
Variant type: Deletion.
Coding change: c.1099del on transcript NM_001079802.2 (MANE Select); coding-DNA position 1099, one base deleted (G; older notation c.1099delG).
Protein change: p.Val367fs; shifts the reading frame from valine 367.
Molecular consequence: frameshift variant. On other transcripts: non-coding transcript variant (2).
Genome position (GRCh38, 1-based): chr9:105,619,988, G deleted. VCF-style (leftmost placement, unchanged base first): chr9-105619987-TG-T. GRCh37 (hg19) VCF-style: chr9-108382268-TG-T.
Other names: c.1099del, p.Val367fs (NM_001198963.2, NM_001351496.2, NM_001351498.2 and 1 more transcripts); c.1030del, p.Val344fs (NM_001351497.2); c.703del, p.Val235fs (NM_001351499.2, NM_001351500.2, NM_001351501.2 and 1 more transcripts); c.1099delG (NM_001079802.1); short protein forms V235fs, V367fs, V344fs.
Identifiers: ClinVar variation 556831 (VCV000556831.12), dbSNP rs1554761310, ClinGen allele CA658823355.

ClinVar aggregate classification (germline): Pathogenic. Review status: criteria provided, single submitter (1 of 4 stars). 2 submissions from 2 submitters: Pathogenic (1). 1 of the submissions does not count toward it. Last evaluated 2019-06-12.

Conditions:
Walker-Warburg congenital muscular dystrophy. Also called: Muscular dystrophy-dystroglycanopathy, type A; Walker-Warburg syndrome. Identifiers: Orphanet 899, MedGen C0265221, MONDO:0000171.
Muscular dystrophy-dystroglycanopathy (congenital with brain and eye anomalies), type A, 4 (MDDGA4). Also called: Congenital muscular dystrophy-dystroglycanopathy with brain and eye anomalies, type A4; Walker-Warburg Syndrome, Fktn-Related; Muscular dystrophy, congenital progressive, with mental retardation; Muscular dystrophy, congenital, with central nervous system involvement; Cerebromuscular dystrophy, Fukuyama type; Fukuyama congenital muscular dystrophy. Identifiers: Orphanet 272, Orphanet 588, Orphanet 899, MedGen C0410174, MONDO:0009678, OMIM 253800.

Allele frequency attached by ClinVar (database versions not stated): gnomAD exomes below 0.00001; TOPMed below 0.00001.

Submissions (2):

Labcorp Genetics (formerly Invitae), Labcorp
Classification: Pathogenic for Walker-Warburg congenital muscular dystrophy. Last evaluated: 2019-06-12. Review status: criteria provided, single submitter. Criteria: Invitae Variant Classification Sherloc (09022015). Collection method: clinical testing. Allele origin: germline.
Comment: This variant has not been reported in the literature in individuals with FKTN-related conditions. ClinVar contains an entry for this variant (Variation ID: 556831). For these reasons, this variant has been classified as Pathogenic. This variant disrupts the C-terminus of the FKTN protein. Other variant(s) that disrupt this region (p.Phe390Ilefs*14) have been determined to be pathogenic (PMID: 17878207, 18177472, 18752264, 19266496, 27065010). This suggests that variants that disrupt this region of the protein are likely to be causative of disease. This variant is not present in population databases (ExAC no frequency). This sequence change results in a premature translational stop signal in the FKTN gene (p.Val367Phefs*39). While this is not anticipated to result in nonsense mediated decay, it is expected to disrupt the last 95 amino acids of the FKTN protein.

Counsyl
Classification: Likely pathogenic for Muscular dystrophy-dystroglycanopathy (congenital with brain and eye anomalies), type A, 4. Last evaluated: 2018-02-20. Review status: no assertion criteria provided. Collection method: clinical testing. Allele origin: unknown. Not counted in ClinVar's aggregate classification.

Literature cited by the submitters: PubMed 17878207 (cited by Labcorp Genetics (formerly Invitae), Labcorp); PubMed 18177472 (cited by Labcorp Genetics (formerly Invitae), Labcorp); PubMed 18752264 (cited by Labcorp Genetics (formerly Invitae), Labcorp); PubMed 19266496 (cited by Labcorp Genetics (formerly Invitae), Labcorp); PubMed 27065010 (cited by Labcorp Genetics (formerly Invitae), Labcorp).